The following is an entry in ClinVar:

ClinVar aggregate classification (germline): Uncertain significance (1 of 4 stars; one submission).

Conditions:
Progressive microcephaly-seizures-cortical blindness-developmental delay syndrome. Also called: Seizures, cortical blindness, and microcephaly syndrome. Identifiers: Orphanet 477814, MedGen C5567650, MONDO:0014714, OMIM 616632.
Autosomal dominant nonsyndromic hearing loss 1. Also called: KONIGSMARK SYNDROME; DEAFNESS, AUTOSOMAL DOMINANT 1, WITH OR WITHOUT THROMBOCYTOPENIA. Identifiers: Orphanet 90635, MedGen C1852282, MONDO:0007424, OMIM 124900.

Allele frequency attached by ClinVar (database versions not stated): TOPMed 0.00001.
gnomAD v4.1: 2 of 1,613,674 alleles (0.00012%); highest among the groups gnomAD compares: African/African-American, 0.0027%; no homozygotes.

Submission:

Labcorp Genetics (formerly Invitae), Labcorp
Classification: Uncertain significance for Progressive microcephaly-seizures-cortical blindness-developmental delay syndrome; Autosomal dominant nonsyndromic hearing loss 1. Last evaluated: 2024-02-03. Review status: criteria provided, single submitter. Criteria: Invitae Variant Classification Sherloc (09022015). Collection method: clinical testing. Allele origin: germline.
Comment: This sequence change replaces serine, which is neutral and polar, with alanine, which is neutral and non-polar, at codon 854 of the DIAPH1 protein (p.Ser854Ala). This variant is not present in population databases (gnomAD no frequency). This variant has not been reported in the literature in individuals affected with DIAPH1-related conditions. ClinVar contains an entry for this variant (Variation ID: 2174219). An algorithm developed to predict the effect of missense changes on protein structure and function (PolyPhen-2) suggests that this variant is likely to be tolerated. In summary, the available evidence is currently insufficient to determine the role of this variant in disease. Therefore, it has been classified as a Variant of Uncertain Significance.

NM_005219.5(DIAPH1):c.2560T>G (p.Ser854Ala)

Gene: DIAPH1 (diaphanous related formin 1; minus strand). Cytogenetic location: 5q31.3.
Variant type: single nucleotide variant.
Coding change: c.2560T>G on transcript NM_005219.5 (MANE Select); coding-DNA position 2560, T replaced by G.
Protein change: p.Ser854Ala; replaces serine 854 with alanine.
Molecular consequence: missense variant.
Genome position (GRCh38, 1-based): chr5:141,534,356, A>C on the plus strand (T>G on the coding strand, the complement: DIAPH1 is on the minus strand). VCF-style: chr5-141534356-A-C. GRCh37 (hg19) VCF-style: chr5-140913923-A-C.
Other names: c.2533T>G, p.Ser845Ala (NM_001079812.3); c.2560T>G, p.Ser854Ala (NM_001314007.2); short protein forms S845A, S854A.
Identifiers: ClinVar variation 2174219 (VCV002174219.4), dbSNP rs924077580, ClinGen allele CA128427988.